The following is an entry in ClinVar:

NM_001122681.2(SH3BP2):c.244A>T (p.Met82Leu)

Gene: SH3BP2 (SH3 domain binding protein 2; plus strand). Cytogenetic location: 4p16.3.
Variant type: single nucleotide variant.
Coding change: c.244A>T on transcript NM_001122681.2 (MANE Select); coding-DNA position 244, A replaced by T.
Protein change: p.Met82Leu; replaces methionine 82 with leucine.
Molecular consequence: missense variant.
Genome position (GRCh38, 1-based): chr4:2,824,617, A>T. VCF-style: chr4-2824617-A-T. GRCh37 (hg19) VCF-style: chr4-2826344-A-T.
Other names: c.328A>T, p.Met110Leu (NM_001145855.2); c.415A>T, p.Met139Leu (NM_001145856.2); c.244A>T, p.Met82Leu (NM_003023.4); short protein forms M110L, M82L, M139L.
Identifiers: ClinVar variation 2861279 (VCV002861279.3), dbSNP rs2530324431, ClinGen allele CA356053674.
Genomic context (GRCh38, chr4:2,824,617, plus strand): 5'-GAAGGCCATCCCTATAGCTGTGAACCAGGCCGTGACCCCTGGCGCTGTGCCCCCAGGGTG[A>T]TGCGGGCGGCTGAGGAGACCACGTCCAACAACGTTTTCCCCTTCAAGATCATCCATATCA-3'
Protein context (NP_001116153.1, residues 72-92): AFSLSGYNRV[Met82Leu]RAAEETTSNN

ClinVar aggregate classification (germline): Uncertain significance (1 of 4 stars; one submission).

Conditions:
Fibrous dysplasia of jaw (CRBM). Also called: Cherubism. Identifiers: Orphanet 184, MedGen C0008029, MONDO:0007315, OMIM 118400.

Submission:

Labcorp Genetics (formerly Invitae), Labcorp
Classification: Uncertain significance for Fibrous dysplasia of jaw. Last evaluated: 2023-05-01. Review status: criteria provided, single submitter. Criteria: Invitae Variant Classification Sherloc (09022015). Collection method: clinical testing. Allele origin: germline.
Comment: Advanced modeling of protein sequence and biophysical properties (such as structural, functional, and spatial information, amino acid conservation, physicochemical variation, residue mobility, and thermodynamic stability) performed at Invitae indicates that this missense variant is not expected to disrupt SH3BP2 protein function. In summary, the available evidence is currently insufficient to determine the role of this variant in disease. Therefore, it has been classified as a Variant of Uncertain Significance. This variant has not been reported in the literature in individuals affected with SH3BP2-related conditions. This variant is not present in population databases (gnomAD no frequency). This sequence change replaces methionine, which is neutral and non-polar, with leucine, which is neutral and non-polar, at codon 82 of the SH3BP2 protein (p.Met82Leu).